The following is an entry in ClinVar:

NM_015910.7(WDPCP):c.1540G>A (p.Asp514Asn)

Gene: WDPCP (WD repeat containing planar cell polarity effector; minus strand). Cytogenetic location: 2p15.
Variant type: single nucleotide variant.
Coding change: c.1540G>A on transcript NM_015910.7 (MANE Select); coding-DNA position 1540, G replaced by A.
Protein change: p.Asp514Asn; replaces aspartic acid 514 with asparagine.
Molecular consequence: missense variant. On other transcripts: non-coding transcript variant (3).
Genome position (GRCh38, 1-based): chr2:63,381,990, C>T on the plus strand (G>A on the coding strand, the complement: WDPCP is on the minus strand). VCF-style: chr2-63381990-C-T. GRCh37 (hg19) VCF-style: chr2-63609125-C-T.
Other names: c.1063G>A, p.Asp355Asn (NM_001042692.3); c.1468G>A, p.Asp490Asn (NM_001354044.2); c.1540G>A, p.Asp514Asn (NM_001354045.2); short protein forms D355N, D490N, D514N.
Identifiers: ClinVar variation 3347011 (VCV003347011.1).

ClinVar aggregate classification (germline): Uncertain significance (0 of 4 stars; one submission).

Conditions:
WDPCP-related disorder. Also called: WDPCP-related condition.

gnomAD v4.1: 2 of 1,613,532 alleles (0.00012%); highest among the groups gnomAD compares: Admixed American, 0.0033%; no homozygotes.

Submission:

PreventionGenetics, part of Exact Sciences
Classification: Uncertain significance for WDPCP-related condition. Last evaluated: 2024-07-30. Review status: no assertion criteria provided. Collection method: clinical testing. Allele origin: germline.
Comment: The WDPCP c.1540G>A variant is predicted to result in the amino acid substitution p.Asp514Asn. To our knowledge, this variant has not been reported in the literature. This variant is reported in 0.0029% of alleles in individuals of Latino descent in gnomAD. At this time, the clinical significance of this variant is uncertain due to the absence of conclusive functional and genetic evidence.